The following is an entry in ClinVar:

ClinVar aggregate classification (germline): Likely benign. Review status: criteria provided, multiple submitters, no conflicts (2 of 4 stars). 2 submissions from 2 submitters: Likely benign (2). Last evaluated 2024-12-11.

Conditions:
WNT3-related disorder. Also called: WNT3-related condition.

Allele frequency attached by ClinVar (database versions not stated): TOPMed 0.00011; gnomAD 0.00013 and 0.00014; gnomAD exomes 0.00013 and 0.00025; ExAC 0.00014; ESP Exome Variant Server 0.00015.
gnomAD v4.1: 367 of 1,613,500 alleles (0.023%); highest among the groups gnomAD compares: Non-Finnish European, 0.031%; 1 homozygote.

Submissions (2):

PreventionGenetics, part of Exact Sciences
Classification: Likely benign for WNT3-related condition. Last evaluated: 2024-12-11. Review status: criteria provided, single submitter. Criteria: ACMG Guidelines, 2015. Collection method: clinical testing. Allele origin: germline.
Comment: This variant is classified as likely benign based on ACMG/AMP sequence variant interpretation guidelines (Richards et al. 2015 PMID: 25741868, with internal and published modifications).

Labcorp Genetics (formerly Invitae), Labcorp
Classification: Likely benign. Last evaluated: 2024-09-30. Review status: criteria provided, single submitter. Criteria: Invitae Variant Classification Sherloc (09022015). Collection method: clinical testing. Allele origin: germline.

NM_030753.5(WNT3):c.499T>C (p.Leu167=)

Genes: LRRC37A2 (leucine rich repeat containing 37 member A2), WNT3 (Wnt family member 3; minus strand). Cytogenetic location: 17q21.31.
Variant type: single nucleotide variant.
Coding change: c.499T>C on transcript NM_030753.5 (MANE Select); coding-DNA position 499, T replaced by C.
Protein change: p.Leu167=; no amino-acid change (leucine 167 retained).
Molecular consequence: synonymous variant.
Genome position (GRCh38, 1-based): chr17:46,769,872, A>G on the plus strand (T>C on the coding strand, the complement: WNT3 is on the minus strand). VCF-style: chr17-46769872-A-G. GRCh37 (hg19) VCF-style: chr17-44847238-A-G.
Other names: c.499T>C (NM_030753.4).
Identifiers: ClinVar variation 1547889 (VCV001547889.9), dbSNP rs146739026, ClinGen allele CA8620587.